The following is an entry in ClinVar:

ClinVar aggregate classification (germline): Uncertain significance. Review status: criteria provided, multiple submitters, no conflicts (2 of 4 stars). 4 submissions from 4 submitters: Uncertain significance (4). Last evaluated 2025-03-30.

Conditions:
Fanconi anemia (FA). Also called: Fanconi's anemia. Identifiers: Orphanet 84, MedGen C0015625, MeSH D005199, MONDO:0019391.
Fanconi anemia complementation group B (FANCB). Also called: FANCONI PANCYTOPENIA, TYPE 2; FANCB-Related Fanconi Anemia. Identifiers: Orphanet 84, MedGen C1845292, MONDO:0010351, OMIM 300514.

Allele frequency attached by ClinVar (database versions not stated): gnomAD exomes 0.00001; TOPMed 0.00002.
gnomAD v4.1: 11 of 1,211,175 alleles (0.00091%); highest among the groups gnomAD compares: Middle Eastern, 0.092%; no homozygotes.

Submissions (4):

Labcorp Genetics (formerly Invitae), Labcorp
Classification: Uncertain significance for Fanconi anemia. Last evaluated: 2025-03-30. Review status: criteria provided, single submitter. Criteria: Invitae Variant Classification Sherloc (09022015). Collection method: clinical testing. Allele origin: germline.
Comment: This sequence change replaces arginine, which is basic and polar, with isoleucine, which is neutral and non-polar, at codon 813 of the FANCB protein (p.Arg813Ile). This variant is present in population databases (no rsID available, gnomAD 0.01%). This variant has not been reported in the literature in individuals affected with FANCB-related conditions. ClinVar contains an entry for this variant (Variation ID: 1337762). Invitae Evidence Modeling of protein sequence and biophysical properties (such as structural, functional, and spatial information, amino acid conservation, physicochemical variation, residue mobility, and thermodynamic stability) indicates that this missense variant is expected to disrupt FANCB protein function with a positive predictive value of 80%. In summary, the available evidence is currently insufficient to determine the role of this variant in disease. Therefore, it has been classified as a Variant of Uncertain Significance.

Fulgent Genetics
Classification: Uncertain significance for Fanconi anemia complementation group B. Last evaluated: 2024-05-23. Review status: criteria provided, single submitter. Criteria: ACMG Guidelines, 2015. Collection method: clinical testing. Allele origin: germline.

CeGaT Center for Human Genetics Tuebingen
Classification: Uncertain significance. Last evaluated: 2023-12-01. Review status: criteria provided, single submitter. Criteria: CeGaT Center For Human Genetics Tuebingen Variant Classification Criteria Version 2. Collection method: clinical testing. Allele origin: germline. Affected: yes. Observed: 1 variant allele.
Comment: FANCB: PM2, BP4

Genetic Services Laboratory, University of Chicago
Classification: Uncertain significance. Last evaluated: 2020-10-26. Review status: criteria provided, single submitter. Criteria: ACMG Guidelines, 2015. Collection method: clinical testing. Allele origin: germline. Affected: no.
Comment: DNA sequence analysis of the FANCB gene demonstrated a sequence change, c.2438G>T, in exon 10 that results in an amino acid change, p.Arg813Ile. This sequence change does not appear to have been previously described in patients with FANCB-related disorders and has also not been described in population databases (gnomAD, ExAC). The p.Arg813Ile change affects a moderately conserved amino acid residue located in a domain of the FANCB protein that is not known to be functional. In-silico pathogenicity prediction tools (SIFT, PolyPhen2, Align GVGD, REVEL) provide contradictory results for the p.Arg813Ile substitution. Due to these contrasting evidences and the lack of functional studies, the clinical significance of the p.Arg813Ile change remains unknown at this time.

NM_001018113.3(FANCB):c.2438G>T (p.Arg813Ile)

Gene: FANCB (FA complementation group B; minus strand). Cytogenetic location: Xp22.2.
Variant type: single nucleotide variant.
Coding change: c.2438G>T on transcript NM_001018113.3 (MANE Select); coding-DNA position 2438, G replaced by T.
Protein change: p.Arg813Ile; replaces arginine 813 with isoleucine.
Molecular consequence: missense variant.
Genome position (GRCh38, 1-based): chrX:14,843,709, C>A on the plus strand (G>T on the coding strand, the complement: FANCB is on the minus strand). VCF-style: chrX-14843709-C-A. GRCh37 (hg19) VCF-style: chrX-14861831-C-A.
Other names: c.2438G>T, p.Arg813Ile (NM_001324162.2, NM_152633.4); short protein forms R813I.
Identifiers: ClinVar variation 1337762 (VCV001337762.31), dbSNP rs995483698, ClinGen allele CA327057477.